The following is an entry in ClinVar:

ClinVar aggregate classification (germline): Uncertain significance (1 of 4 stars; one submission).

Conditions:
Autoimmune lymphoproliferative syndrome type 2B. Also called: AUTOIMMUNE LYMPHOPROLIFERATIVE SYNDROME, TYPE IIB. Identifiers: Orphanet 275517, MedGen C1846545, MONDO:0011804, OMIM 607271.

Allele frequency attached by ClinVar (database versions not stated): TOPMed below 0.00001.
gnomAD v4.1: 1 of 1,614,194 alleles (0.000062%); highest among the groups gnomAD compares: Non-Finnish European, 0.000085%; no homozygotes.

Submission:

Labcorp Genetics (formerly Invitae), Labcorp
Classification: Uncertain significance for Autoimmune lymphoproliferative syndrome type 2B. Last evaluated: 2023-08-14. Review status: criteria provided, single submitter. Criteria: Invitae Variant Classification Sherloc (09022015). Collection method: clinical testing. Allele origin: germline.
Comment: In summary, the available evidence is currently insufficient to determine the role of this variant in disease. Therefore, it has been classified as a Variant of Uncertain Significance. Advanced modeling of protein sequence and biophysical properties (such as structural, functional, and spatial information, amino acid conservation, physicochemical variation, residue mobility, and thermodynamic stability) performed at Invitae indicates that this missense variant is expected to disrupt CASP8 protein function. This variant has not been reported in the literature in individuals affected with CASP8-related conditions. This variant is not present in population databases (gnomAD no frequency). This sequence change replaces leucine, which is neutral and non-polar, with valine, which is neutral and non-polar, at codon 365 of the CASP8 protein (p.Leu365Val).

NM_001372051.1(CASP8):c.1042C>G (p.Leu348Val)

Gene: CASP8 (caspase 8; plus strand). Cytogenetic location: 2q33.1.
Variant type: single nucleotide variant.
Coding change: c.1042C>G on transcript NM_001372051.1 (MANE Select); coding-DNA position 1042, C replaced by G.
Protein change: p.Leu348Val; replaces leucine 348 with valine.
Molecular consequence: missense variant. On other transcripts: non-coding transcript variant (22), intron variant (1).
Genome position (GRCh38, 1-based): chr2:201,285,055, C>G. VCF-style: chr2-201285055-C-G. GRCh37 (hg19) VCF-style: chr2-202149778-C-G.
Other names: c.997C>G, p.Leu333Val (NM_001080124.2, NM_001400658.1, NM_001400659.1 and 5 more transcripts); c.1219C>G, p.Leu407Val (NM_001080125.2); c.1093C>G, p.Leu365Val (NM_001228.5); c.1174C>G, p.Leu392Val (NM_001400642.1); c.1075C>G, p.Leu359Val (NM_001400645.1); c.1042C>G, p.Leu348Val (NM_001400648.1, NM_001400651.1, NM_001400653.1 and 5 more transcripts); c.973C>G, p.Leu325Val (NM_001400664.1); c.967C>G, p.Leu323Val (NM_001400665.1); and 7 more; short protein forms L323V, L348V, L264V, L279V, L392V, L245V, L325V, L365V.
Identifiers: ClinVar variation 2889478 (VCV002889478.3), dbSNP rs1242650624, ClinGen allele CA350300989.